The following is an entry in ClinVar:

NM_000186.4(CFH):c.1318C>T (p.Pro440Ser)

Gene: CFH (complement factor H; plus strand). Cytogenetic location: 1q31.3.
Variant type: single nucleotide variant.
Coding change: c.1318C>T on transcript NM_000186.4 (MANE Select); coding-DNA position 1318, C replaced by T.
Protein change: p.Pro440Ser; replaces proline 440 with serine.
Molecular consequence: missense variant.
Genome position (GRCh38, 1-based): chr1:196,690,221, C>T. VCF-style: chr1-196690221-C-T. GRCh37 (hg19) VCF-style: chr1-196659351-C-T.
Other names: c.1318C>T, p.Pro440Ser (NM_001014975.3); short protein forms P440S.
Identifiers: ClinVar variation 4976848 (VCV004976848.1).

ClinVar aggregate classification (germline): Uncertain significance (1 of 4 stars; one submission).

Conditions:
Basal laminar drusen. Also called: DRUSEN OF BRUCH MEMBRANE; DRUSEN, CUTICULAR; DRUSEN, EARLY ADULT-ONSET, GROUPED. Identifiers: Orphanet 75376, MedGen C0730295, MONDO:0007472, OMIM 126700.

gnomAD v4.1: 1 of 1,613,374 alleles (0.000062%); highest among the groups gnomAD compares: Non-Finnish European, 0.000085%; no homozygotes.

Submission:

Genomenon, Inc
Classification: Uncertain significance for Basal laminar drusen. Last evaluated: 2026-09-17. Review status: criteria provided, single submitter. Criteria: Genomenon Sequence Variant Interpretation Standards - Updated. Collection method: curation. Allele origin: germline. Affected: yes.
Comment: CFH p.Pro440Ser (c.1318C>T) is a missense variant that changes the amino acid at codon 440 from proline to serine. This variant has been observed in at least one proband affected with basal laminar drusen (PMID: 41011040). The variant was found to segregate with disease in at least one affected family (PMID: 41011040). It is absent or not present at a significant frequency in gnomAD. In conclusion, we classify CFH p.Pro440Ser (c.1318C>T) as a variant of uncertain significance.

Literature cited by the submitters: PubMed 41011040.